The following is an entry in ClinVar:

ClinVar aggregate classification (germline): Uncertain significance (1 of 4 stars; one submission).

Conditions:
FG syndrome (FGS). Identifiers: MedGen C0220769, MONDO:0002010.

Allele frequency attached by ClinVar (database versions not stated): gnomAD exomes below 0.00001; gnomAD 0.00001.
gnomAD v4.1: 6 of 1,208,432 alleles (0.0005%); highest among the groups gnomAD compares: African/African-American, 0.0018%; no homozygotes.

Submission:

Labcorp Genetics (formerly Invitae), Labcorp
Classification: Uncertain significance for FG syndrome. Last evaluated: 2024-11-05. Review status: criteria provided, single submitter. Criteria: Invitae Variant Classification Sherloc (09022015). Collection method: clinical testing. Allele origin: germline.
Comment: This sequence change replaces arginine, which is basic and polar, with tryptophan, which is neutral and slightly polar, at codon 231 of the MED12 protein (p.Arg231Trp). This variant is present in population databases (no rsID available, gnomAD 0.005%), including at least one homozygous and/or hemizygous individual. This variant has not been reported in the literature in individuals affected with MED12-related conditions. ClinVar contains an entry for this variant (Variation ID: 2896223). Invitae Evidence Modeling of protein sequence and biophysical properties (such as structural, functional, and spatial information, amino acid conservation, physicochemical variation, residue mobility, and thermodynamic stability) has been performed for this missense variant. However, the output from this modeling did not meet the statistical confidence thresholds required to predict the impact of this variant on MED12 protein function. In summary, the available evidence is currently insufficient to determine the role of this variant in disease. Therefore, it has been classified as a Variant of Uncertain Significance.

NM_005120.3(MED12):c.691C>T (p.Arg231Trp)

Gene: MED12 (mediator complex subunit 12; plus strand). Cytogenetic location: Xq13.1.
Variant type: single nucleotide variant.
Coding change: c.691C>T on transcript NM_005120.3 (MANE Select); coding-DNA position 691, C replaced by T.
Protein change: p.Arg231Trp; replaces arginine 231 with tryptophan.
Molecular consequence: missense variant.
Genome position (GRCh38, 1-based): chrX:71,121,108, C>T. VCF-style: chrX-71121108-C-T. GRCh37 (hg19) VCF-style: chrX-70340958-C-T.
Other names: short protein forms R231W.
Identifiers: ClinVar variation 2896223 (VCV002896223.3), dbSNP rs1350320350, ClinGen allele CA413501006.
Genomic context (GRCh38, chrX:71,121,108, plus strand): 5'-GGAAGTGGGGGCTGTGGTTCCACGATAGGGCCCTTGCCCCATGATGTAGAGGTGGCAATC[C>T]GGCAGTGGGATTACACCGAGAAGCTGGCCATGTTCATGTTTCAGGTAGAGAGTAGGGCAT-3'
Protein context (NP_005111.2, residues 221-241): PLPHDVEVAI[Arg231Trp]QWDYTEKLAM